The following is an entry in ClinVar:

ClinVar aggregate classification (germline): Uncertain significance (1 of 4 stars; one submission).

Conditions:
Brugada syndrome. Also called: Sudden Unexplained Death Syndrome; Sudden Unexplained Nocturnal Death Syndrome (SUNDS); Sudden unexpected nocturnal death syndrome; Sudden unexplained nocturnal death syndrome. Identifiers: Orphanet 130, MedGen C1142166, MONDO:0015263.

Allele frequency attached by ClinVar (database versions not stated): gnomAD exomes below 0.00001; TOPMed 0.00002.
gnomAD v4.1: 1 of 1,614,168 alleles (0.000062%); highest among the groups gnomAD compares: Admixed American, 0.0017%; no homozygotes.

Submission:

Labcorp Genetics (formerly Invitae), Labcorp
Classification: Uncertain significance for Brugada syndrome. Last evaluated: 2021-12-20. Review status: criteria provided, single submitter. Criteria: Invitae Variant Classification Sherloc (09022015). Collection method: clinical testing. Allele origin: germline.
Comment: This sequence change replaces asparagine, which is neutral and polar, with serine, which is neutral and polar, at codon 1900 of the SCN10A protein (p.Asn1900Ser). In summary, the available evidence is currently insufficient to determine the role of this variant in disease. Therefore, it has been classified as a Variant of Uncertain Significance. Advanced modeling of protein sequence and biophysical properties (such as structural, functional, and spatial information, amino acid conservation, physicochemical variation, residue mobility, and thermodynamic stability) performed at Invitae indicates that this missense variant is not expected to disrupt SCN10A protein function. This variant has not been reported in the literature in individuals affected with SCN10A-related conditions. This variant is present in population databases (no rsID available, gnomAD 0.003%).

NM_006514.4(SCN10A):c.5699A>G (p.Asn1900Ser)

Gene: SCN10A (sodium voltage-gated channel alpha subunit 10; minus strand). Cytogenetic location: 3p22.2.
Variant type: single nucleotide variant.
Coding change: c.5699A>G on transcript NM_006514.4 (MANE Select); coding-DNA position 5699, A replaced by G.
Protein change: p.Asn1900Ser; replaces asparagine 1900 with serine.
Molecular consequence: missense variant.
Genome position (GRCh38, 1-based): chr3:38,697,521, T>C on the plus strand (A>G on the coding strand, the complement: SCN10A is on the minus strand). VCF-style: chr3-38697521-T-C. GRCh37 (hg19) VCF-style: chr3-38739012-T-C.
Other names: c.5696A>G, p.Asn1899Ser (NM_001293306.2); c.5405A>G, p.Asn1802Ser (NM_001293307.2); short protein forms N1802S, N1900S, N1899S.
Identifiers: ClinVar variation 1945683 (VCV001945683.5), dbSNP rs905568903, ClinGen allele CA72946738.